The following is an entry in ClinVar:

NM_001352754.2(ARMC9):c.831G>C (p.Gln277His)

Gene: ARMC9 (armadillo repeat containing 9; plus strand). Cytogenetic location: 2q37.1.
Variant type: single nucleotide variant.
Coding change: c.831G>C on transcript NM_001352754.2 (MANE Select); coding-DNA position 831, G replaced by C.
Protein change: p.Gln277His; replaces glutamine 277 with histidine.
Molecular consequence: missense variant. On other transcripts: non-coding transcript variant (1), intron variant (2).
Genome position (GRCh38, 1-based): chr2:231,239,993, G>C. VCF-style: chr2-231239993-G-C. GRCh37 (hg19) VCF-style: chr2-232104706-G-C.
Other names: c.831G>C, p.Gln277His (NM_001271466.4, NM_001291656.2, NM_001352755.2 and 3 more transcripts); c.780+4612G>C (NM_001352757.2, NM_001352758.2); short protein forms Q277H.
Identifiers: ClinVar variation 1491133 (VCV001491133.6), dbSNP rs2036134682, ClinGen allele CA350952475.

ClinVar aggregate classification (germline): Uncertain significance (1 of 4 stars; one submission).

Allele frequency attached by ClinVar (database versions not stated): gnomAD exomes 0.00001.
gnomAD v4.1: 10 of 1,614,010 alleles (0.00062%); highest among the groups gnomAD compares: Non-Finnish European, 0.00068%; no homozygotes.

Submission:

Labcorp Genetics (formerly Invitae), Labcorp
Classification: Uncertain significance. Last evaluated: 2021-07-02. Review status: criteria provided, single submitter. Criteria: Invitae Variant Classification Sherloc (09022015). Collection method: clinical testing. Allele origin: germline.
Comment: This sequence change replaces glutamine with histidine at codon 277 of the ARMC9 protein (p.Gln277His). The glutamine residue is moderately conserved and there is a small physicochemical difference between glutamine and histidine. This variant is not present in population databases (ExAC no frequency). This variant has not been reported in the literature in individuals affected with ARMC9-related conditions. Experimental studies and prediction algorithms are not available or were not evaluated, and the functional significance of this variant is currently unknown. In summary, the available evidence is currently insufficient to determine the role of this variant in disease. Therefore, it has been classified as a Variant of Uncertain Significance.